The following is an entry in ClinVar:

NM_004168.4(SDHA):c.1335G>C (p.Ser445=)

Gene: SDHA (succinate dehydrogenase complex flavoprotein subunit A; plus strand). Cytogenetic location: 5p15.33.
Variant type: single nucleotide variant.
Coding change: c.1335G>C on transcript NM_004168.4 (MANE Select); coding-DNA position 1335, G replaced by C.
Protein change: p.Ser445=; no amino-acid change (serine 445 retained).
Molecular consequence: synonymous variant.
Genome position (GRCh38, 1-based): chr5:236,502, G>C. VCF-style: chr5-236502-G-C. GRCh37 (hg19) VCF-style: chr5-236617-G-C.
Other names: c.1335G>C (NM_004168.2); c.1191G>C, p.Ser397= (NM_001294332.2); c.1335G>C, p.Ser445= (NM_001330758.2).
Identifiers: ClinVar variation 2954077 (VCV002954077.5), dbSNP rs200223188, ClinGen allele CA442692100.

ClinVar aggregate classification (germline): Benign/Likely benign. Review status: criteria provided, multiple submitters, no conflicts (2 of 4 stars). 3 submissions from 3 submitters: Benign (1); Likely benign (2). Last evaluated 2025-09-16.

Conditions:
Mitochondrial complex II deficiency, nuclear type 1. Also called: SUCCINATE CoQ REDUCTASE DEFICIENCY. Identifiers: Orphanet 3208, MedGen C5700310, MONDO:0100294, OMIM 252011.
Pheochromocytoma/paraganglioma syndrome 5. Also called: Paragangliomas 5; SDHA-Related Hereditary Paraganglioma-Pheochromocytoma Syndrome. Identifiers: Orphanet 29072, MedGen C3279992, MONDO:0013602, OMIM 614165.
Hereditary cancer-predisposing syndrome. Also called: Neoplastic Syndromes, Hereditary; Tumor predisposition; Hereditary Cancer Syndrome; Hereditary neoplastic syndrome. Identifiers: Orphanet 140162, MedGen C0027672, MeSH D009386, MONDO:0015356.

Submissions (3):

Ambry Genetics
Classification: Likely benign for Hereditary cancer-predisposing syndrome. Last evaluated: 2025-09-16. Review status: criteria provided, single submitter. Criteria: Ambry Variant Classification Scheme 2023. Collection method: clinical testing. Allele origin: germline.

Myriad Genetics, Inc.
Classification: Benign for Pheochromocytoma/paraganglioma syndrome 5. Last evaluated: 2025-03-10. Review status: criteria provided, single submitter. Criteria: Myriad Autosomal Dominant, Autosomal Recessive and X-Linked Classification Criteria (2023). Collection method: clinical testing. Allele origin: unknown.
Comment: This variant is considered benign. This variant is a silent/synonymous amino acid change and it is not expected to impact splicing.

Labcorp Genetics (formerly Invitae), Labcorp
Classification: Likely benign for Pheochromocytoma/paraganglioma syndrome 5; Mitochondrial complex II deficiency, nuclear type 1. Last evaluated: 2024-10-21. Review status: criteria provided, single submitter. Criteria: Invitae Variant Classification Sherloc (09022015). Collection method: clinical testing. Allele origin: germline.